The following is an entry in ClinVar:

NM_017617.5(NOTCH1):c.6159C>A (p.Asn2053Lys)

Genes: NOTCH1 (notch receptor 1; minus strand), LOC126860794 (BRD4-independent group 4 enhancer GRCh37_chr9:139392592-139393791; plus strand). Cytogenetic location: 9q34.3.
Variant type: single nucleotide variant.
Coding change: c.6159C>A on transcript NM_017617.5 (MANE Select); coding-DNA position 6159, C replaced by A.
Protein change: p.Asn2053Lys; replaces asparagine 2053 with lysine.
Molecular consequence: missense variant.
Genome position (GRCh38, 1-based): chr9:136,498,920, G>T on the plus strand (C>A on the coding strand, the complement: NOTCH1 is on the minus strand). VCF-style: chr9-136498920-G-T. GRCh37 (hg19) VCF-style: chr9-139393372-G-T.
Other names: short protein forms N2053K.
Identifiers: ClinVar variation 1751916 (VCV001751916.2), dbSNP rs2133321530, ClinGen allele CA375633797.

ClinVar aggregate classification (germline): Uncertain significance (1 of 4 stars; one submission).

Conditions:
Familial thoracic aortic aneurysm and aortic dissection (TAAD). Also called: Thoracic aortic aneurysms and dissections. Identifiers: Orphanet 91387, MedGen C4707243, MONDO:0019625.

gnomAD v4.1: 1 of 1,613,724 alleles (0.000062%); no homozygotes.

Submission:

Ambry Genetics
Classification: Uncertain significance for Familial thoracic aortic aneurysm and aortic dissection. Last evaluated: 2021-10-13. Review status: criteria provided, single submitter. Criteria: Ambry Variant Classification Scheme 2023. Collection method: clinical testing. Allele origin: germline.
Comment: The p.N2053K variant (also known as c.6159C>A), located in coding exon 33 of the NOTCH1 gene, results from a C to A substitution at nucleotide position 6159. The asparagine at codon 2053 is replaced by lysine, an amino acid with similar properties. This amino acid position is conserved. In addition, this alteration is predicted to be tolerated by in silico analysis. Since supporting evidence is limited at this time, the clinical significance of this alteration remains unclear.